The following is an entry in ClinVar:

ClinVar aggregate classification (germline): Likely benign. Review status: criteria provided, multiple submitters, no conflicts (2 of 4 stars). 4 submissions from 4 submitters: Likely benign (4). Last evaluated 2026-08-01.

Allele frequency attached by ClinVar (database versions not stated): gnomAD exomes 0.00004 and 0.00010; ExAC 0.00014; ESP Exome Variant Server 0.00023; gnomAD 0.00025 and 0.00028; TOPMed 0.00033.
gnomAD v4.1: 96 of 1,609,428 alleles (0.006%); highest among the groups gnomAD compares: African/African-American, 0.097%; no homozygotes.

Submissions (4):

CeGaT Center for Human Genetics Tuebingen
Classification: Likely benign. Last evaluated: 2026-08-01. Review status: criteria provided, single submitter. Criteria: CeGaT Center For Human Genetics Tuebingen Variant Classification Criteria Version 2. Collection method: clinical testing. Allele origin: germline. Affected: yes. Observed: 1 variant allele.
Comment: PRMT7: BP4, BP7

Labcorp Genetics (formerly Invitae), Labcorp
Classification: Likely benign. Last evaluated: 2025-12-26. Review status: criteria provided, single submitter. Criteria: Invitae Variant Classification Sherloc (09022015). Collection method: clinical testing. Allele origin: germline.

Blueprint Genetics
Classification: Likely benign. Last evaluated: 2020-09-24. Review status: criteria provided, single submitter. Criteria: ACMG Guidelines, 2015. Collection method: clinical testing. Allele origin: germline.

Genetic Services Laboratory, University of Chicago
Classification: Likely benign. Last evaluated: 2018-09-27. Review status: criteria provided, single submitter. Criteria: ACMG Guidelines, 2015. Collection method: clinical testing. Allele origin: germline. Affected: no.

NM_019023.5(PRMT7):c.1764G>A (p.Pro588=)

Gene: PRMT7 (protein arginine methyltransferase 7; plus strand). Cytogenetic location: 16q22.1.
Variant type: single nucleotide variant.
Coding change: c.1764G>A on transcript NM_019023.5 (MANE Select); coding-DNA position 1764, G replaced by A.
Protein change: p.Pro588=; no amino-acid change (proline 588 retained).
Molecular consequence: synonymous variant. On other transcripts: non-coding transcript variant (12).
Genome position (GRCh38, 1-based): chr16:68,355,836, G>A. VCF-style: chr16-68355836-G-A. GRCh37 (hg19) VCF-style: chr16-68389739-G-A.
Other names: c.1614G>A, p.Pro538= (NM_001184824.4); c.1764G>A, p.Pro588= (NM_001290018.2, NM_001351143.3, NM_001378018.1); c.1767G>A, p.Pro589= (NM_001351144.3); c.1557G>A, p.Pro519= (NM_001378020.1); c.1527G>A, p.Pro509= (NM_001378021.1, NM_001378022.1, NM_001378023.1).
Identifiers: ClinVar variation 1336887 (VCV001336887.7), dbSNP rs140624242, ClinGen allele CA8127627.